The following is an entry in ClinVar:

ClinVar aggregate classification (germline): Uncertain significance (1 of 4 stars; one submission).

Conditions:
Hereditary cancer-predisposing syndrome. Also called: Neoplastic Syndromes, Hereditary; Tumor predisposition; Hereditary neoplastic syndrome; Hereditary Cancer Syndrome. Identifiers: Orphanet 140162, MedGen C0027672, MeSH D009386, MONDO:0015356.

Submission:

Ambry Genetics
Classification: Uncertain significance for Hereditary cancer-predisposing syndrome. Last evaluated: 2026-08-07. Review status: criteria provided, single submitter. Criteria: Ambry Variant Classification Scheme 2023. Collection method: clinical testing. Allele origin: germline.
Comment: The p.V31I variant (also known as c.91G>A), located in coding exon 2 of the MRE11A gene, results from a G to A substitution at nucleotide position 91. The valine at codon 31 is replaced by isoleucine, an amino acid with highly similar properties. This amino acid position is conserved. In addition, this alteration is predicted to be tolerated by in silico analysis. Based on the available evidence, the clinical significance of this variant remains unclear.

NM_005591.4(MRE11):c.91G>A (p.Val31Ile)

Gene: MRE11 (MRE11 double strand break repair nuclease; minus strand). Cytogenetic location: 11q21.
Variant type: single nucleotide variant.
Coding change: c.91G>A on transcript NM_005591.4 (MANE Select); coding-DNA position 91, G replaced by A.
Protein change: p.Val31Ile; replaces valine 31 with isoleucine.
Molecular consequence: missense variant. On other transcripts: 5 prime UTR variant (3).
Genome position (GRCh38, 1-based): chr11:94,490,895, C>T on the plus strand (G>A on the coding strand, the complement: MRE11 is on the minus strand). VCF-style: chr11-94490895-C-T. GRCh37 (hg19) VCF-style: chr11-94224061-C-T.
Other names: c.91G>A, p.Val31Ile (NM_001440469.1, NM_001440470.1, NM_001440473.1 and 21 more transcripts); c.16G>A, p.Val6Ile (NM_001440471.1, NM_001440472.1, NM_001440479.1); c.-374G>A (NM_001440485.1, NM_001440486.1, NM_001440487.1); short protein forms V6I, V31I.
Identifiers: ClinVar variation 5024690 (VCV005024690.1).